The following is an entry in ClinVar:

NM_002485.5(NBN):c.1262T>G (p.Leu421Trp)

Gene: NBN (nibrin; minus strand). Cytogenetic location: 8q21.3.
Variant type: single nucleotide variant.
Coding change: c.1262T>G on transcript NM_002485.5 (MANE Select); coding-DNA position 1262, T replaced by G.
Protein change: p.Leu421Trp; replaces leucine 421 with tryptophan.
Molecular consequence: missense variant.
Genome position (GRCh38, 1-based): chr8:89,955,418, A>C on the plus strand (T>G on the coding strand, the complement: NBN is on the minus strand). VCF-style: chr8-89955418-A-C. GRCh37 (hg19) VCF-style: chr8-90967646-A-C.
Other names: c.1016T>G, p.Leu339Trp (NM_001024688.3); short protein forms L339W, L421W.
Identifiers: ClinVar variation 3403056 (VCV003403056.1).
Genomic context (GRCh38, chr8:89,955,418, plus strand): 5'-TTATTTATACTTGGCAATTTAGTTGGTGAAAGCTGATAGTTTGGGATTCTCATCTTAGCC[A>C]AAGTATTTGATACCATACTATTATTATTAGAGCTTGTTTTGCAGGACTCCTTTACAGTGG-3'
Protein context (NP_002476.2, residues 411-431): SNNNSMVSNT[Leu421Trp]AKMRIPNYQL

ClinVar aggregate classification (germline): Uncertain significance (1 of 4 stars; one submission).

Conditions:
Hereditary cancer-predisposing syndrome. Also called: Hereditary Cancer Syndrome; Tumor predisposition; Hereditary neoplastic syndrome; Neoplastic Syndromes, Hereditary. Identifiers: Orphanet 140162, MedGen C0027672, MeSH D009386, MONDO:0015356.

Submission:

Ambry Genetics
Classification: Uncertain significance for Hereditary cancer-predisposing syndrome. Last evaluated: 2024-08-05. Review status: criteria provided, single submitter. Criteria: Ambry Variant Classification Scheme 2023. Collection method: clinical testing. Allele origin: germline.
Comment: The p.L421W variant (also known as c.1262T>G), located in coding exon 10 of the NBN gene, results from a T to G substitution at nucleotide position 1262. The leucine at codon 421 is replaced by tryptophan, an amino acid with similar properties. This amino acid position is conserved. In addition, this alteration is predicted to be tolerated by in silico analysis. Based on the available evidence, the clinical significance of this variant remains unclear.